The following is an entry in ClinVar:

NM_000718.4(CACNA1B):c.6518T>G (p.Leu2173Trp)

Gene: CACNA1B (calcium voltage-gated channel subunit alpha1 B; plus strand). Cytogenetic location: 9q34.3.
Variant type: single nucleotide variant.
Coding change: c.6518T>G on transcript NM_000718.4 (MANE Select); coding-DNA position 6518, T replaced by G.
Protein change: p.Leu2173Trp; replaces leucine 2173 with tryptophan.
Molecular consequence: missense variant. On other transcripts: intron variant (1).
Genome position (GRCh38, 1-based): chr9:138,121,497, T>G. VCF-style: chr9-138121497-T-G. GRCh37 (hg19) VCF-style: chr9-141015949-T-G.
Other names: c.6490-159T>G (NM_001243812.2); c.6518T>G (NM_000718.3); short protein forms L2173W.
Identifiers: ClinVar variation 2420182 (VCV002420182.4), dbSNP rs765508846, ClinGen allele CA5377750.
Genomic context (GRCh38, chr9:138,121,497, plus strand): 5'-CCTCTGATTTGTTCTGGTCCATTTTCATGTAGGGCAGTGGTTCCGTGAATGGGAGCCCCT[T>G]GCTGTCAACATCTGGTGCTAGCACCCCCGGCCGCGGTGGGCGGAGGCAGCTCCCCCAGAC-3'
Protein context (NP_000709.1, residues 2163-2183): QGSGSVNGSP[Leu2173Trp]LSTSGASTPG

ClinVar aggregate classification (germline): Uncertain significance. Review status: criteria provided, multiple submitters, no conflicts (2 of 4 stars). 2 submissions from 2 submitters: Uncertain significance (2). Last evaluated 2025-01-17.

Allele frequency attached by ClinVar (database versions not stated): gnomAD exomes 0.00002; gnomAD 0.00003; TOPMed 0.00008; ExAC 0.00009.
gnomAD v4.1: 26 of 1,542,492 alleles (0.0017%); highest among the groups gnomAD compares: Admixed American, 0.043%; no homozygotes.

Submissions (2):

Ambry Genetics
Classification: Uncertain significance. Last evaluated: 2025-01-17. Review status: criteria provided, single submitter. Criteria: Ambry Variant Classification Scheme 2023. Collection method: clinical testing. Allele origin: germline.

Labcorp Genetics (formerly Invitae), Labcorp
Classification: Uncertain significance. Last evaluated: 2022-08-17. Review status: criteria provided, single submitter. Criteria: Invitae Variant Classification Sherloc (09022015). Collection method: clinical testing. Allele origin: germline.
Comment: This sequence change replaces leucine, which is neutral and non-polar, with tryptophan, which is neutral and slightly polar, at codon 2173 of the CACNA1B protein (p.Leu2173Trp). This variant is present in population databases (rs765508846, gnomAD 0.05%). This variant has not been reported in the literature in individuals affected with CACNA1B-related conditions. Advanced modeling of protein sequence and biophysical properties (such as structural, functional, and spatial information, amino acid conservation, physicochemical variation, residue mobility, and thermodynamic stability) performed at Invitae indicates that this missense variant is not expected to disrupt CACNA1B protein function. In summary, the available evidence is currently insufficient to determine the role of this variant in disease. Therefore, it has been classified as a Variant of Uncertain Significance.